The following is an entry in ClinVar:

ClinVar aggregate classification (germline): Uncertain significance (1 of 4 stars; one submission).

Conditions:
Early Myoclonic Encephalopathy. Identifiers: MedGen C0270855.

gnomAD v4.1: 7 of 1,613,898 alleles (0.00043%); highest among the groups gnomAD compares: Non-Finnish European, 0.00059%; no homozygotes.

Submission:

Labcorp Genetics (formerly Invitae), Labcorp
Classification: Uncertain significance for Early Myoclonic Encephalopathy. Last evaluated: 2024-02-17. Review status: criteria provided, single submitter. Criteria: Invitae Variant Classification Sherloc (09022015). Collection method: clinical testing. Allele origin: germline.
Comment: This sequence change replaces glutamic acid, which is acidic and polar, with lysine, which is basic and polar, at codon 1431 of the JMJD1C protein (p.Glu1431Lys). This variant is not present in population databases (gnomAD no frequency). This variant has not been reported in the literature in individuals affected with JMJD1C-related conditions. Advanced modeling of protein sequence and biophysical properties (such as structural, functional, and spatial information, amino acid conservation, physicochemical variation, residue mobility, and thermodynamic stability) performed at Invitae indicates that this missense variant is expected to disrupt JMJD1C protein function with a positive predictive value of 80%. In summary, the available evidence is currently insufficient to determine the role of this variant in disease. Therefore, it has been classified as a Variant of Uncertain Significance.

NM_032776.3(JMJD1C):c.4291G>A (p.Glu1431Lys)

Gene: JMJD1C (jumonji domain containing 1C; minus strand). Cytogenetic location: 10q21.3.
Variant type: single nucleotide variant.
Coding change: c.4291G>A on transcript NM_032776.3 (MANE Select); coding-DNA position 4291, G replaced by A.
Protein change: p.Glu1431Lys; replaces glutamic acid 1431 with lysine.
Molecular consequence: missense variant. On other transcripts: non-coding transcript variant (1).
Genome position (GRCh38, 1-based): chr10:63,207,378, C>T on the plus strand (G>A on the coding strand, the complement: JMJD1C is on the minus strand). VCF-style: chr10-63207378-C-T. GRCh37 (hg19) VCF-style: chr10-64967138-C-T.
Other names: c.3745G>A, p.Glu1249Lys (NM_001282948.2, NM_001318154.2); c.3427G>A, p.Glu1143Lys (NM_001318153.2); c.4177G>A, p.Glu1393Lys (NM_001322252.2); c.3634G>A, p.Glu1212Lys (NM_001322254.2, NM_001322258.2); short protein forms E1431K, E1212K, E1393K, E1143K, E1249K.
Identifiers: ClinVar variation 3697668 (VCV003697668.2).